The following is an entry in ClinVar:

NM_001271938.2(MEGF8):c.2436G>A (p.Ser812=)

Gene: MEGF8 (multiple EGF like domains 8; plus strand). Cytogenetic location: 19q13.2.
Variant type: single nucleotide variant.
Coding change: c.2436G>A on transcript NM_001271938.2 (MANE Select); coding-DNA position 2436, G replaced by A.
Protein change: p.Ser812=; no amino-acid change (serine 812 retained).
Molecular consequence: synonymous variant.
Genome position (GRCh38, 1-based): chr19:42,349,636, G>A. VCF-style: chr19-42349636-G-A. GRCh37 (hg19) VCF-style: chr19-42853788-G-A.
Other names: c.2235G>A, p.Ser745= (NM_001410.3).
Identifiers: ClinVar variation 732076 (VCV000732076.9), dbSNP rs199938628, ClinGen allele CA9474727.

ClinVar aggregate classification (germline): Likely benign. Review status: criteria provided, multiple submitters, no conflicts (2 of 4 stars). 2 submissions from 2 submitters: Likely benign (2). Last evaluated 2025-11-22.

Conditions:
MEGF8-related disorder. Also called: MEGF8-related condition.
MEGF8-related Carpenter syndrome. Also called: Carpenter syndrome 2. Identifiers: Orphanet 65759, MedGen C3554247, MONDO:0013998, OMIM 614976.

Allele frequency attached by ClinVar (database versions not stated): gnomAD 0.00009 and 0.00015; TOPMed 0.00018; 1000 Genomes Project 30x 0.00062; 1000 Genomes Project 0.00080.

Submissions (2):

PreventionGenetics, part of Exact Sciences
Classification: Likely benign for MEGF8-related condition. Last evaluated: 2025-11-22. Review status: criteria provided, single submitter. Criteria: ACMG Guidelines, 2015. Collection method: clinical testing. Allele origin: germline.
Comment: This variant is classified as likely benign based on ACMG/AMP sequence variant interpretation guidelines (Richards et al. 2015 PMID: 25741868, with internal and published modifications).

Labcorp Genetics (formerly Invitae), Labcorp
Classification: Likely benign for MEGF8-related Carpenter syndrome. Last evaluated: 2025-09-14. Review status: criteria provided, single submitter. Criteria: Invitae Variant Classification Sherloc (09022015). Collection method: clinical testing. Allele origin: germline.